The following is an entry in ClinVar:

ClinVar aggregate classification (germline): Uncertain significance (1 of 4 stars; one submission).

Conditions:
POLD1-related polyposis and colorectal cancer syndrome (CRCS10). Also called: Colorectal cancer, susceptibility to, 10; Colorectal cancer 10; COLORECTAL CANCER, SUSCEPTIBILITY TO, ON CHROMOSOME 19q. Identifiers: Orphanet 220460, MedGen C2675481, MONDO:0012953, OMIM 612591.

Submission:

Labcorp Genetics (formerly Invitae), Labcorp
Classification: Uncertain significance for POLD1-related polyposis and colorectal cancer syndrome. Last evaluated: 2018-09-24. Review status: criteria provided, single submitter. Criteria: Invitae Variant Classification Sherloc (09022015). Collection method: clinical testing. Allele origin: germline.
Comment: This sequence change replaces valine with leucine at codon 708 of the POLD1 protein (p.Val708Leu). The valine residue is highly conserved and there is a small physicochemical difference between valine and leucine. This variant is not present in population databases (ExAC no frequency). This variant has not been reported in the literature in individuals with POLD1-related disease. Algorithms developed to predict the effect of missense changes on protein structure and function are either unavailable or do not agree on the potential impact of this missense change (SIFT: "Deleterious"; PolyPhen-2: "Benign"; Align-GVGD: "Class C25"). In summary, the available evidence is currently insufficient to determine the role of this variant in disease. Therefore, it has been classified as a Variant of Uncertain Significance.

NM_002691.4(POLD1):c.2122G>C (p.Val708Leu)

Gene: POLD1 (DNA polymerase delta 1, catalytic subunit; plus strand). Cytogenetic location: 19q13.33.
Variant type: single nucleotide variant.
Coding change: c.2122G>C on transcript NM_002691.4 (MANE Select); coding-DNA position 2122, G replaced by C.
Protein change: p.Val708Leu; replaces valine 708 with leucine.
Molecular consequence: missense variant. On other transcripts: non-coding transcript variant (1).
Genome position (GRCh38, 1-based): chr19:50,409,634, G>C. VCF-style: chr19-50409634-G-C. GRCh37 (hg19) VCF-style: chr19-50912891-G-C.
Other names: c.2122G>C, p.Val708Leu (NM_001256849.1); c.2200G>C, p.Val734Leu (NM_001308632.1); short protein forms V734L, V708L.
Identifiers: ClinVar variation 638832 (VCV000638832.8), dbSNP rs1060501847, ClinGen allele CA406982671.